The following is an entry in ClinVar:

ClinVar aggregate classification (germline): Benign/Likely benign. Review status: criteria provided, multiple submitters, no conflicts (2 of 4 stars). 4 submissions from 4 submitters: Benign (1); Likely benign (3). Last evaluated 2026-04-01.

Allele frequency attached by ClinVar (database versions not stated): 1000 Genomes Project 0.00040; 1000 Genomes Project 30x 0.00062; gnomAD exomes 0.00329 and 0.00663; ExAC 0.00340; TOPMed 0.00407; gnomAD 0.00413 and 0.00434; ESP Exome Variant Server 0.00471.
gnomAD v4.1: 10,104 of 1,614,020 alleles (0.63%); highest among the groups gnomAD compares: Non-Finnish European, 0.82%; 48 homozygotes.

Submissions (4):

CeGaT Center for Human Genetics Tuebingen
Classification: Likely benign. Last evaluated: 2026-04-01. Review status: criteria provided, single submitter. Criteria: CeGaT Center For Human Genetics Tuebingen Variant Classification Criteria Version 2. Collection method: clinical testing. Allele origin: germline. Affected: yes. Observed: 11 variant alleles.
Comment: KY: BP4, BS2

Mayo Clinic Laboratories, Mayo Clinic
Classification: Benign. Last evaluated: 2025-06-24. Review status: criteria provided, single submitter. Criteria: ACMG Guidelines, 2015. Collection method: clinical testing. Allele origin: germline. Observed: 1 variant allele.
Comment: BS1, BS2

GeneDx
Classification: Likely benign. Last evaluated: 2021-04-26. Review status: criteria provided, single submitter. Criteria: GeneDx Variant Classification Process June 2021. Collection method: clinical testing. Allele origin: germline. Affected: yes.

Labcorp Genetics (formerly Invitae), Labcorp
Classification: Likely benign. Last evaluated: 2019-12-31. Review status: criteria provided, single submitter. Criteria: Invitae Variant Classification Sherloc (09022015). Collection method: clinical testing. Allele origin: germline.

NM_178554.6(KY):c.1078A>T (p.Met360Leu)

Genes: KY (kyphoscoliosis peptidase; minus strand), CEP63 (centrosomal protein 63; plus strand). Cytogenetic location: 3q22.2.
Variant type: single nucleotide variant.
Coding change: c.1078A>T on transcript NM_178554.6 (MANE Select); coding-DNA position 1078, A replaced by T.
Protein change: p.Met360Leu; replaces methionine 360 with leucine.
Molecular consequence: missense variant.
Genome position (GRCh38, 1-based): chr3:134,608,661, T>A on the plus strand (A>T on the coding strand, the complement: KY is on the minus strand). VCF-style: chr3-134608661-T-A. GRCh37 (hg19) VCF-style: chr3-134327503-T-A.
Other names: p.Met360Leu; c.1030A>T, p.Met344Leu (NM_001350859.2); c.952A>T, p.Met318Leu (NM_001350860.2); c.1015A>T, p.Met339Leu (NM_001366276.1); c.1078A>T, p.Met360Leu (NM_001366277.2); short protein forms M318L, M339L, M344L, M360L.
Identifiers: ClinVar variation 789938 (VCV000789938.31), dbSNP rs189059675, ClinGen allele CA2629109.